The following is an entry in ClinVar:

NM_004415.4(DSP):c.5709A>T (p.Gln1903His)

Gene: DSP (desmoplakin; plus strand). Cytogenetic location: 6p24.3.
Variant type: single nucleotide variant.
Coding change: c.5709A>T on transcript NM_004415.4 (MANE Select); coding-DNA position 5709, A replaced by T.
Protein change: p.Gln1903His; replaces glutamine 1903 with histidine.
Molecular consequence: missense variant.
Genome position (GRCh38, 1-based): chr6:7,582,971, A>T. VCF-style: chr6-7582971-A-T. GRCh37 (hg19) VCF-style: chr6-7583204-A-T.
Other names: c.3912A>T, p.Gln1304His (NM_001008844.3); c.4380A>T, p.Gln1460His (NM_001319034.2); short protein forms Q1304H, Q1460H, Q1903H.
Identifiers: ClinVar variation 4786047 (VCV004786047.1).

ClinVar aggregate classification (germline): Uncertain significance (1 of 4 stars; one submission).

Conditions:
Arrhythmogenic cardiomyopathy with wooly hair and keratoderma. Also called: Carvajal syndrome; PALMOPLANTAR KERATODERMA WITH LEFT VENTRICULAR CARDIOMYOPATHY AND WOOLLY HAIR; Dilated cardiomyopathy with woolly hair and keratoderma; Arrhythmogenic cardiomyopathy with woolly hair and keratoderma. Identifiers: Orphanet 65282, MedGen C1854063, MONDO:0011581, OMIM 605676.
Arrhythmogenic right ventricular dysplasia 8 (ARVD8). Also called: Arrhythmogenic Right Ventricular Dysplasia/Cardiomyopathy 8; ARRHYTHMOGENIC RIGHT VENTRICULAR DYSPLASIA, FAMILIAL, 8; ARRHYTHMOGENIC RIGHT VENTRICULAR CARDIOMYOPATHY 8. Identifiers: MedGen C1843896, MONDO:0011831, OMIM 607450.

Submission:

Labcorp Genetics (formerly Invitae), Labcorp
Classification: Uncertain significance for Arrhythmogenic cardiomyopathy with wooly hair and keratoderma; Arrhythmogenic right ventricular dysplasia 8. Last evaluated: 2025-09-10. Review status: criteria provided, single submitter. Criteria: Invitae Variant Classification Sherloc (09022015). Collection method: clinical testing. Allele origin: germline.
Comment: This sequence change replaces glutamine, which is neutral and polar, with histidine, which is basic and polar, at codon 1903 of the DSP protein (p.Gln1903His). This variant is not present in population databases (gnomAD no frequency). This variant has not been reported in the literature in individuals affected with DSP-related conditions. An algorithm developed to predict the effect of missense changes on protein structure and function (PolyPhen-2) suggests that this variant is likely to be disruptive. In summary, the available evidence is currently insufficient to determine the role of this variant in disease. Therefore, it has been classified as a Variant of Uncertain Significance.